The following is an entry in ClinVar:

ClinVar aggregate classification (germline): Uncertain significance (1 of 4 stars; one submission).

Conditions:
Emery-Dreifuss muscular dystrophy 5, autosomal dominant (EDMD5). Also called: EMERY-DREIFUSS MUSCULAR DYSTROPHY 5. Identifiers: Orphanet 261, MedGen C2751805, MONDO:0013072, OMIM 612999.

Allele frequency attached by ClinVar (database versions not stated): gnomAD exomes below 0.00001.
gnomAD v4.1: 1 of 1,610,528 alleles (0.000062%); highest among the groups gnomAD compares: East Asian, 0.0022%; no homozygotes.

Submission:

Labcorp Genetics (formerly Invitae), Labcorp
Classification: Uncertain significance for Emery-Dreifuss muscular dystrophy 5, autosomal dominant. Last evaluated: 2021-12-21. Review status: criteria provided, single submitter. Criteria: Invitae Variant Classification Sherloc (09022015). Collection method: clinical testing. Allele origin: germline.
Comment: In summary, the available evidence is currently insufficient to determine the role of this variant in disease. Therefore, it has been classified as a Variant of Uncertain Significance. Variants that disrupt the consensus splice site are a relatively common cause of aberrant splicing (PMID: 17576681, 9536098). Algorithms developed to predict the effect of sequence changes on RNA splicing suggest that this variant may disrupt the consensus splice site. This variant has not been reported in the literature in individuals affected with SYNE2-related conditions. This variant is present in population databases (no rsID available, gnomAD 0.007%). This sequence change falls in intron 41 of the SYNE2 gene. It does not directly change the encoded amino acid sequence of the SYNE2 protein. It affects a nucleotide within the consensus splice site.

Literature cited by the submitters: PubMed 17576681; PubMed 9536098.

NM_182914.3(SYNE2):c.6252+3A>G

Gene: SYNE2 (spectrin repeat containing nuclear envelope protein 2; plus strand). Cytogenetic location: 14q23.2.
Variant type: single nucleotide variant.
Coding change: c.6252+3A>G on transcript NM_182914.3 (MANE Select); 3 bases into the intron after coding-DNA position 6252, A replaced by G.
Molecular consequence: intron variant.
Genome position (GRCh38, 1-based): chr14:64,025,424, A>G. VCF-style: chr14-64025424-A-G. GRCh37 (hg19) VCF-style: chr14-64492142-A-G.
Other names: c.6252+3A>G (NM_015180.6).
Identifiers: ClinVar variation 2195779 (VCV002195779.4), dbSNP rs1411668702, ClinGen allele CA614735149.
Genomic context (GRCh38, chr14:64,025,424, plus strand): 5'-GGTTTTGAATTCATCCGAAGGCAAAATGCCACTTGAGGAAAGAATCCAAAAAATCAAGGT[A>G]TAACTATGGAAACTAAATTTCAGAAGTCTGAGTGAACTCTAGTTTTGAAAAGATTTAGAG-3'